The following is an entry in ClinVar:

ClinVar aggregate classification (germline): Benign/Likely benign. Review status: criteria provided, multiple submitters, no conflicts (2 of 4 stars). 11 submissions from 11 submitters: Benign (2); Likely benign (5). 4 of the submissions do not count toward it. Last evaluated 2026-09-01.

Conditions:
D2HGDH-related disorder. Also called: D2HGDH-related condition.
D-2-hydroxyglutaric aciduria 1 (D2HGA1). Identifiers: Orphanet 79315, MedGen C3152055, MONDO:0024554, OMIM 600721.

Allele frequency attached by ClinVar (database versions not stated): 1000 Genomes Project 30x 0.00172; 1000 Genomes Project 0.00200; TOPMed 0.00387; ESP Exome Variant Server 0.00554; gnomAD 0.00614 and 0.00633; gnomAD exomes 0.00710 and 0.00726; ExAC 0.00729.
gnomAD v4.1: 11,472 of 1,603,256 alleles (0.72%); highest among the groups gnomAD compares: Non-Finnish European, 0.74%; 72 homozygotes.

Submissions (11):

CeGaT Center for Human Genetics Tuebingen
Classification: Likely benign. Last evaluated: 2026-09-01. Review status: criteria provided, single submitter. Criteria: CeGaT Center For Human Genetics Tuebingen Variant Classification Criteria Version 2. Collection method: clinical testing. Allele origin: germline. Affected: yes. Observed: 8 variant alleles.
Comment: D2HGDH: BS2

Labcorp Genetics (formerly Invitae), Labcorp
Classification: Benign for D-2-hydroxyglutaric aciduria 1. Last evaluated: 2026-01-19. Review status: criteria provided, single submitter. Criteria: Invitae Variant Classification Sherloc (09022015). Collection method: clinical testing. Allele origin: germline.

Mendelics
Classification: Benign for D-2-hydroxyglutaric aciduria 1. Last evaluated: 2019-05-28. Review status: criteria provided, single submitter. Criteria: Mendelics Assertion Criteria 2017. Collection method: clinical testing. Allele origin: unknown.

Institute for Genomic Medicine (IGM) Clinical Laboratory, Nationwide Children's Hospital
Classification: Likely benign. Last evaluated: 2017-07-17. Review status: criteria provided, single submitter. Criteria: ACMG Guidelines, 2015. Collection method: clinical testing. Allele origin: germline.
Comment: BS1, BP6; This alteration has an allele frequency that is greater than expected for the associated disease, and was reported as a benign/likely benign alteration by a reputable source (ClinVar or other correspondence from a clinical testing laboratory).

Illumina Laboratory Services, Illumina
Classification: Likely benign for D-2-hydroxyglutaric aciduria 1. Last evaluated: 2017-04-27. Review status: criteria provided, single submitter. Criteria: ICSL Variant Classification Criteria 13 December 2019. Collection method: clinical testing. Allele origin: germline.
Comment: This variant was observed as part of a predisposition screen in an ostensibly healthy population. A literature search was performed for the gene, cDNA change, and amino acid change (where applicable). No publications were found based on this search. Allele frequency data from public databases allowed determination this variant is unlikely to cause disease. Therefore, this variant is classified as likely benign.

Center for Pediatric Genomic Medicine, Children's Mercy Hospital and Clinics
Classification: Likely benign. Last evaluated: 2016-07-07. Review status: criteria provided, single submitter. Criteria: ACMG Guidelines, 2015. Collection method: clinical testing. Allele origin: germline.
ClinVar note: Converted during submission from Likely Benign to Likely benign.

Genetic Services Laboratory, University of Chicago
Classification: Likely benign. Last evaluated: 2015-04-28. Review status: criteria provided, single submitter. Criteria: ACMG Guidelines, 2015. Collection method: clinical testing. Allele origin: germline.

PreventionGenetics, part of Exact Sciences
Classification: Benign for D2HGDH-related condition. Last evaluated: 2019-04-15. Review status: no assertion criteria provided. Collection method: clinical testing. Allele origin: germline. Not counted in ClinVar's aggregate classification.
Comment: This variant is classified as benign based on ACMG/AMP sequence variant interpretation guidelines (Richards et al. 2015 PMID: 25741868, with internal and published modifications).

Mayo Clinic Laboratories, Mayo Clinic
Classification: Uncertain significance. Last evaluated: 2016-02-23. Review status: no assertion criteria provided. Collection method: clinical testing. Allele origin: unknown. Not counted in ClinVar's aggregate classification.

Clinical Genetics DNA and cytogenetics Diagnostics Lab, Erasmus MC, Erasmus Medical Center
Classification: Likely benign. Review status: no assertion criteria provided. Collection method: clinical testing. Allele origin: germline. Affected: yes. Study: VKGL Data-share Consensus. Not counted in ClinVar's aggregate classification.

Genome Diagnostics Laboratory, University Medical Center Utrecht
Classification: Likely benign. Review status: no assertion criteria provided. Collection method: clinical testing. Allele origin: germline. Affected: yes. Study: VKGL Data-share Consensus. Not counted in ClinVar's aggregate classification.

NM_152783.5(D2HGDH):c.1276G>A (p.Ala426Thr)

Gene: D2HGDH (D-2-hydroxyglutarate dehydrogenase; plus strand). Cytogenetic location: 2q37.3.
Variant type: single nucleotide variant.
Coding change: c.1276G>A on transcript NM_152783.5 (MANE Select); coding-DNA position 1276, G replaced by A.
Protein change: p.Ala426Thr; replaces alanine 426 with threonine.
Molecular consequence: missense variant. On other transcripts: non-coding transcript variant (1).
Genome position (GRCh38, 1-based): chr2:241,755,984, G>A. VCF-style: chr2-241755984-G-A. GRCh37 (hg19) VCF-style: chr2-242695399-G-A.
Other names: c.874G>A, p.Ala292Thr (NM_001287249.2); c.715G>A, p.Ala239Thr (NM_001352824.2); short protein forms A426T, A292T, A239T.
Identifiers: ClinVar variation 158410 (VCV000158410.73), dbSNP rs146578303, ClinGen allele CA171824.